The following is an entry in ClinVar:

ClinVar aggregate classification (germline): Likely benign. Review status: criteria provided, multiple submitters, no conflicts (2 of 4 stars). 3 submissions from 3 submitters: Likely benign (3). Last evaluated 2024-10-21.

Conditions:
Myofibrillar myopathy 6. Identifiers: Orphanet 199340, MedGen C2751831, MONDO:0013061, OMIM 612954.
Dilated cardiomyopathy 1HH (CMD1HH). Identifiers: Orphanet 154, MedGen C3151293, MONDO:0013479, OMIM 613881.

Allele frequency attached by ClinVar (database versions not stated): gnomAD exomes below 0.00001; gnomAD 0.00001; ExAC 0.00002; TOPMed 0.00002.
gnomAD v4.1: 14 of 1,614,068 alleles (0.00087%); highest among the groups gnomAD compares: African/African-American, 0.0053%; no homozygotes.

Submissions (3):

Labcorp Genetics (formerly Invitae), Labcorp
Classification: Likely benign for Dilated cardiomyopathy 1HH; Myofibrillar myopathy 6. Last evaluated: 2024-10-21. Review status: criteria provided, single submitter. Criteria: Invitae Variant Classification Sherloc (09022015). Collection method: clinical testing. Allele origin: germline.

Blueprint Genetics
Classification: Likely benign. Last evaluated: 2019-09-10. Review status: criteria provided, single submitter. Criteria: ACMG Guidelines, 2015. Collection method: clinical testing. Allele origin: germline.

GeneDx
Classification: Likely benign. Last evaluated: 2017-06-02. Review status: criteria provided, single submitter. Criteria: GeneDx Variant Classification (06012015). Collection method: clinical testing. Allele origin: germline. Affected: yes.
Comment: This variant is considered likely benign or benign based on one or more of the following criteria: it is a conservative change, it occurs at a poorly conserved position in the protein, it is predicted to be benign by multiple in silico algorithms, and/or has population frequency not consistent with disease.

NM_004281.4(BAG3):c.1354C>T (p.Leu452=)

Gene: BAG3 (BAG cochaperone 3; plus strand). Cytogenetic location: 10q26.11.
Variant type: single nucleotide variant.
Coding change: c.1354C>T on transcript NM_004281.4 (MANE Select); coding-DNA position 1354, C replaced by T.
Protein change: p.Leu452=; no amino-acid change (leucine 452 retained).
Molecular consequence: synonymous variant.
Genome position (GRCh38, 1-based): chr10:119,676,908, C>T. VCF-style: chr10-119676908-C-T. GRCh37 (hg19) VCF-style: chr10-121436420-C-T.
Identifiers: ClinVar variation 509839 (VCV000509839.10), dbSNP rs751439966, ClinGen allele CA5716535.